The following is an entry in ClinVar:

NM_014625.4(NPHS2):c.671G>A (p.Arg224His)

Gene: NPHS2 (NPHS2 stomatin family member, podocin; minus strand). Cytogenetic location: 1q25.2.
Variant type: single nucleotide variant.
Coding change: c.671G>A on transcript NM_014625.4 (MANE Select); coding-DNA position 671, G replaced by A.
Protein change: p.Arg224His; replaces arginine 224 with histidine.
Molecular consequence: missense variant. On other transcripts: intron variant (1).
Genome position (GRCh38, 1-based): chr1:179,557,094, C>T on the plus strand (G>A on the coding strand, the complement: NPHS2 is on the minus strand). VCF-style: chr1-179557094-C-T. GRCh37 (hg19) VCF-style: chr1-179526229-C-T.
Other names: c.535-2563G>A (NM_001297575.2); short protein forms R224H.
Identifiers: ClinVar variation 555842 (VCV000555842.11), dbSNP rs138545216, ClinGen allele CA1267156.

ClinVar aggregate classification (germline): Uncertain significance. Review status: criteria provided, multiple submitters, no conflicts (2 of 4 stars). 6 submissions from 6 submitters: Uncertain significance (4). 2 of the submissions do not count toward it. Last evaluated 2025-12-23.

Conditions:
Steroid-resistant nephrotic syndrome. Identifiers: MedGen C0403397, MONDO:0044765, HP:0012588.
Nephrotic syndrome, type 2 (NPHS2). Also called: NEPHROTIC SYNDROME, STEROID-RESISTANT, AUTOSOMAL RECESSIVE. Identifiers: Orphanet 656, MedGen C1868672, MONDO:0010974, OMIM 600995.

Allele frequency attached by ClinVar (database versions not stated): gnomAD 0.00010 and 0.00011; TOPMed 0.00015; 1000 Genomes Project 30x 0.00016; ESP Exome Variant Server 0.00023; gnomAD exomes 0.00004 and 0.00005; ExAC 0.00005.
gnomAD v4.1: 90 of 1,614,074 alleles (0.0056%); highest among the groups gnomAD compares: East Asian, 0.045%; no homozygotes.

Submissions (6):

Myriad Genetics, Inc.
Classification: Uncertain significance for Nephrotic syndrome, type 2. Last evaluated: 2025-12-23. Review status: criteria provided, single submitter. Criteria: Myriad Autosomal Dominant, Autosomal Recessive and X-Linked Classification Criteria (2023). Collection method: clinical testing. Allele origin: unknown.
Comment: NM_014625.2(NPHS2):c.671G>A(R224H) is a missense variant classified as a variant of uncertain significance in the context of nephrotic syndrome, NPHS2-related. R224H has not been observed in cases with relevant disease. Relevant functional assessments of this variant are not available in the literature. R224H has been observed in referenced population frequency databases. In summary, there is insufficient evidence to classify NM_014625.2(NPHS2):c.671G>A(R224H) as pathogenic or benign. Please note: this variant was assessed in the context of healthy population screening.

Fulgent Genetics
Classification: Uncertain significance for Nephrotic syndrome, type 2. Last evaluated: 2024-02-01. Review status: criteria provided, single submitter. Criteria: ACMG Guidelines, 2015. Collection method: clinical testing. Allele origin: germline.

Genome-Nilou Lab
Classification: Uncertain significance for Nephrotic syndrome, type 2. Last evaluated: 2023-04-11. Review status: criteria provided, single submitter. Criteria: ACMG Guidelines, 2015. Collection method: clinical testing. Allele origin: germline. Affected: no.

Illumina Laboratory Services, Illumina
Classification: Uncertain significance for Nephrotic syndrome, type 2. Last evaluated: 2017-04-29. Review status: criteria provided, single submitter. Criteria: ICSL Variant Classification Criteria 13 December 2019. Collection method: clinical testing. Allele origin: germline.
Comment: This variant was observed as part of a predisposition screen in an ostensibly healthy population. A literature search was performed for the gene, cDNA change, and amino acid change (where applicable). Publications were found based on this search. However, the evidence from the literature, in combination with allele frequency data from public databases where available, was not sufficient to rule this variant in or out of causing disease. Therefore, this variant is classified as a variant of unknown significance.

Natera, Inc.
Classification: Uncertain significance for Steroid-resistant nephrotic syndrome. Last evaluated: 2020-04-20. Review status: no assertion criteria provided. Collection method: clinical testing. Allele origin: germline. Not counted in ClinVar's aggregate classification.

Counsyl
Classification: Uncertain significance for Nephrotic syndrome, type 2. Last evaluated: 2017-12-28. Review status: no assertion criteria provided. Collection method: clinical testing. Allele origin: unknown. Not counted in ClinVar's aggregate classification.

Literature cited by the submitters: PubMed 18823551 (cited by Illumina Laboratory Services, Illumina); PubMed 18726620 (cited by Illumina Laboratory Services, Illumina).